The following is an entry in ClinVar:

ClinVar aggregate classification (germline): Benign/Likely benign. Review status: criteria provided, multiple submitters, no conflicts (2 of 4 stars). 2 submissions from 2 submitters: Benign (1); Likely benign (1). Last evaluated 2026-04-01.

Allele frequency attached by ClinVar (database versions not stated): gnomAD exomes 0.00001; TOPMed 0.00002; ExAC 0.00004; gnomAD 0.00005; 1000 Genomes Project 30x 0.00031; 1000 Genomes Project 0.00040.
gnomAD v4.1: 27 of 1,614,210 alleles (0.0017%); highest among the groups gnomAD compares: East Asian, 0.049%; 1 homozygote.

Submissions (2):

CeGaT Center for Human Genetics Tuebingen
Classification: Likely benign. Last evaluated: 2026-04-01. Review status: criteria provided, single submitter. Criteria: CeGaT Center For Human Genetics Tuebingen Variant Classification Criteria Version 2. Collection method: clinical testing. Allele origin: germline. Affected: yes. Observed: 1 variant allele.
Comment: KAT6A: BP4, BP7

Labcorp Genetics (formerly Invitae), Labcorp
Classification: Benign. Last evaluated: 2025-08-15. Review status: criteria provided, single submitter. Criteria: Invitae Variant Classification Sherloc (09022015). Collection method: clinical testing. Allele origin: germline.

NM_006766.5(KAT6A):c.5568C>T (p.Ser1856=)

Gene: KAT6A (lysine acetyltransferase 6A; minus strand). Cytogenetic location: 8p11.21.
Variant type: single nucleotide variant.
Coding change: c.5568C>T on transcript NM_006766.5 (MANE Select); coding-DNA position 5568, C replaced by T.
Protein change: p.Ser1856=; no amino-acid change (serine 1856 retained).
Molecular consequence: synonymous variant.
Genome position (GRCh38, 1-based): chr8:41,932,652, G>A on the plus strand (C>T on the coding strand, the complement: KAT6A is on the minus strand). VCF-style: chr8-41932652-G-A. GRCh37 (hg19) VCF-style: chr8-41790170-G-A.
Identifiers: ClinVar variation 2737646 (VCV002737646.5), dbSNP rs201044575, ClinGen allele CA4729287.